The following is an entry in ClinVar:

NM_205861.3(DHDDS):c.681C>G (p.Phe227Leu)

Gene: DHDDS (dehydrodolichyl diphosphate synthase subunit; plus strand). Cytogenetic location: 1p36.11.
Variant type: single nucleotide variant.
Coding change: c.681C>G on transcript NM_205861.3 (MANE Select); coding-DNA position 681, C replaced by G.
Protein change: p.Phe227Leu; replaces phenylalanine 227 with leucine.
Molecular consequence: missense variant.
Genome position (GRCh38, 1-based): chr1:26,460,060, C>G. VCF-style: chr1-26460060-C-G. GRCh37 (hg19) VCF-style: chr1-26786551-C-G.
Other names: c.579C>G, p.Phe193Leu (NM_001243564.2); c.564C>G, p.Phe188Leu (NM_001243565.2); c.402C>G, p.Phe134Leu (NM_001319959.2); c.681C>G, p.Phe227Leu (NM_024887.4); short protein forms F134L, F188L, F193L, F227L.
Identifiers: ClinVar variation 1065735 (VCV001065735.2), dbSNP rs773292741, ClinGen allele CA705430.

ClinVar aggregate classification (germline): Uncertain significance. Review status: criteria provided, multiple submitters, no conflicts (2 of 4 stars). 2 submissions from 2 submitters: Uncertain significance (2). Last evaluated 2024-06-26.

Conditions:
Retinitis pigmentosa 59 (RP59). Identifiers: Orphanet 791, MedGen C3151227, MONDO:0013468, OMIM 613861.

Allele frequency attached by ClinVar (database versions not stated): gnomAD exomes below 0.00001 and 0.00001; ExAC 0.00002.
gnomAD v4.1: 2 of 1,614,180 alleles (0.00012%); highest among the groups gnomAD compares: Non-Finnish European, 0.00017%; no homozygotes.

Submissions (2):

Blueprint Genetics
Classification: Uncertain significance. Last evaluated: 2024-06-26. Review status: criteria provided, single submitter. Criteria: ACMG Guidelines, 2015. Collection method: clinical testing. Allele origin: germline.

Ocular Genomics Institute, Massachusetts Eye and Ear
Classification: Uncertain significance for Retinitis pigmentosa 59. Last evaluated: 2021-04-08. Review status: criteria provided, single submitter. Criteria: ACMG Guidelines, 2015. Collection method: research. Allele origin: germline. Affected: yes.
Comment: Through a review of available evidence we were able to apply the following criteria: PM2. Based on this evidence we have classified this variant as Variant of Uncertain Significance.